The following is an entry in ClinVar:

ClinVar aggregate classification (germline): Uncertain significance (1 of 4 stars; one submission).

Conditions:
Pancreatic adenocarcinoma. Identifiers: MedGen C0281361, MONDO:0006047, HP:0006725.

Submission:

Labcorp Genetics (formerly Invitae), Labcorp
Classification: Uncertain significance for Pancreatic adenocarcinoma. Last evaluated: 2023-02-20. Review status: criteria provided, single submitter. Criteria: Invitae Variant Classification Sherloc (09022015). Collection method: clinical testing. Allele origin: germline.
Comment: In summary, the available evidence is currently insufficient to determine the role of this variant in disease. Therefore, it has been classified as a Variant of Uncertain Significance. Experimental studies and prediction algorithms are not available or were not evaluated, and the functional significance of this variant is currently unknown. This variant has not been reported in the literature in individuals affected with PALLD-related conditions. This variant is not present in population databases (gnomAD no frequency). This variant, c.49_192del, results in the deletion of 48 amino acid(s) of the PALLD protein (p.Ser17_Ala64del), but otherwise preserves the integrity of the reading frame.

NM_001166108.2(PALLD):c.1965-12982_1965-12839del

Gene: PALLD (palladin, cytoskeletal associated protein; plus strand). Cytogenetic location: 4q32.3.
Variant type: Deletion.
Coding change: c.1965-12982_1965-12839del on transcript NM_001166108.2 (MANE Select); 12982 bases into the intron before coding-DNA position 1965 through 12839 bases into the intron before coding-DNA position 1965, 144 bases deleted.
Molecular consequence: intron variant. On other transcripts: inframe deletion (1).
Genome position (GRCh38, 1-based): chr4:168,877,940-168,878,083, 144 bases deleted. GRCh37 (hg19): chr4:169,799,091-169,799,234.
Other names: c.49_192del, p.Ser17_Ala64del (NM_001166110.2); c.1965-12982_1965-12839del (NM_016081.4); c.819-12982_819-12839del (NM_001166109.2); c.-157-12982_-157-12839del (NM_001367570.1, NM_001367568.1, NM_001367567.1 and 1 more transcripts).
Identifiers: ClinVar variation 2839269 (VCV002839269.3), dbSNP rs2533432727, ClinGen allele CA2739270343.